The following is an entry in ClinVar:

NM_004972.4(JAK2):c.2840G>A (p.Arg947Gln)

Genes: INSL6 (insulin like 6; minus strand), JAK2 (Janus kinase 2; plus strand). Cytogenetic location: 9p24.1.
Variant type: single nucleotide variant.
Coding change: c.2840G>A on transcript NM_004972.4 (MANE Select); coding-DNA position 2840, G replaced by A.
Protein change: p.Arg947Gln; replaces arginine 947 with glutamine.
Molecular consequence: missense variant. On other transcripts: non-coding transcript variant (2).
Genome position (GRCh38, 1-based): chr9:5,090,524, G>A. VCF-style: chr9-5090524-G-A. GRCh37 (hg19) VCF-style: chr9-5090524-G-A.
Other names: c.2840G>A, p.Arg947Gln (NM_001322194.2, NM_001322195.2, NM_001322196.2); c.1625G>A, p.Arg542Gln (NM_001322198.2, NM_001322199.2); c.2393G>A, p.Arg798Gln (NM_001322204.2); short protein forms R542Q, R798Q, R947Q.
Identifiers: ClinVar variation 3612400 (VCV003612400.2).
Genomic context (GRCh38, chr9:5,090,524, plus strand): 5'-TAATTATGGAATATTTACCATATGGAAGTTTACGAGACTATCTTCAAAAACATAAAGAAC[G>A]GATAGATCACATAAAACTTCTGCAGTACACATCTCAGATATGCAAGGTAACTAATATCCT-3'
Protein context (NP_004963.1, residues 937-957): LRDYLQKHKE[Arg947Gln]IDHIKLLQYT

ClinVar aggregate classification (germline): Uncertain significance (1 of 4 stars; one submission).

gnomAD v4.1: 42 of 1,593,656 alleles (0.0026%); highest among the groups gnomAD compares: Non-Finnish European, 0.0033%; no homozygotes.

Submission:

Labcorp Genetics (formerly Invitae), Labcorp
Classification: Uncertain significance. Last evaluated: 2025-01-22. Review status: criteria provided, single submitter. Criteria: Invitae Variant Classification Sherloc (09022015). Collection method: clinical testing. Allele origin: germline.
Comment: This sequence change replaces arginine, which is basic and polar, with glutamine, which is neutral and polar, at codon 947 of the JAK2 protein (p.Arg947Gln). The frequency data for this variant in the population databases is considered unreliable, as metrics indicate poor data quality at this position in the gnomAD database. This variant has not been reported in the literature in individuals affected with JAK2-related conditions. Invitae Evidence Modeling of protein sequence and biophysical properties (such as structural, functional, and spatial information, amino acid conservation, physicochemical variation, residue mobility, and thermodynamic stability) indicates that this missense variant is not expected to disrupt JAK2 protein function with a negative predictive value of 80%. In summary, the available evidence is currently insufficient to determine the role of this variant in disease. Therefore, it has been classified as a Variant of Uncertain Significance.